The following is an entry in ClinVar:

NM_025103.4(IFT74):c.729A>G (p.Glu243=)

Gene: IFT74 (intraflagellar transport 74; plus strand). Cytogenetic location: 9p21.2.
Variant type: single nucleotide variant.
Coding change: c.729A>G on transcript NM_025103.4 (MANE Select); coding-DNA position 729, A replaced by G.
Protein change: p.Glu243=; no amino-acid change (glutamic acid 243 retained).
Molecular consequence: synonymous variant.
Genome position (GRCh38, 1-based): chr9:27,011,908, A>G. VCF-style: chr9-27011908-A-G. GRCh37 (hg19) VCF-style: chr9-27011906-A-G.
Other names: c.729A>G, p.Glu243= (NM_001099222.3, NM_001099223.3, NM_001099224.3 and 1 more transcripts).
Identifiers: ClinVar variation 3351623 (VCV003351623.1).

ClinVar aggregate classification (germline): Likely benign (0 of 4 stars; one submission).

Conditions:
IFT74-related disorder. Also called: IFT74-related condition; IFT74-Related Disorders.

Submission:

PreventionGenetics, part of Exact Sciences
Classification: Likely benign for IFT74-related condition. Last evaluated: 2024-06-22. Review status: no assertion criteria provided. Collection method: clinical testing. Allele origin: germline.
Comment: This variant is classified as likely benign based on ACMG/AMP sequence variant interpretation guidelines (Richards et al. 2015 PMID: 25741868, with internal and published modifications).